The following is an entry in ClinVar:

ClinVar aggregate classification (germline): Uncertain significance. Review status: criteria provided, multiple submitters, no conflicts (2 of 4 stars). 2 submissions from 2 submitters: Uncertain significance (2). Last evaluated 2025-06-09.

Conditions:
Inborn genetic diseases. Identifiers: MedGen C0950123, MeSH D030342.

Submissions (2):

Ambry Genetics
Classification: Uncertain significance for Inborn genetic diseases. Last evaluated: 2025-06-09. Review status: criteria provided, single submitter. Criteria: Ambry Variant Classification Scheme 2023. Collection method: clinical testing. Allele origin: germline.
Comment: The p.R159Q variant (also known as c.476G>A), located in coding exon 6 of the DDX41 gene, results from a G to A substitution at nucleotide position 476. The arginine at codon 159 is replaced by glutamine, an amino acid with highly similar properties. This amino acid position is highly conserved in available vertebrate species. In addition, this alteration is predicted to be tolerated by in silico analysis. Based on the available evidence, the clinical significance of this variant remains unclear.

Labcorp Genetics (formerly Invitae), Labcorp
Classification: Uncertain significance. Last evaluated: 2025-06-02. Review status: criteria provided, single submitter. Criteria: Invitae Variant Classification Sherloc (09022015). Collection method: clinical testing. Allele origin: germline.
Comment: This sequence change replaces arginine, which is basic and polar, with glutamine, which is neutral and polar, at codon 159 of the DDX41 protein (p.Arg159Gln). This variant is present in population databases (rs751416476, gnomAD 0.003%). This missense change has been observed in individual(s) with myeloproliferative neoplasms (PMID: 30963592). An algorithm developed to predict the effect of missense changes on protein structure and function (PolyPhen-2) suggests that this variant is likely to be tolerated. In summary, the available evidence is currently insufficient to determine the role of this variant in disease. Therefore, it has been classified as a Variant of Uncertain Significance.

Literature cited by the submitters: PubMed 30963592 (cited by Labcorp Genetics (formerly Invitae), Labcorp).

NM_016222.4(DDX41):c.476G>A (p.Arg159Gln)

Gene: DDX41 (DEAD-box helicase 41; minus strand). Cytogenetic location: 5q35.3.
Variant type: single nucleotide variant.
Coding change: c.476G>A on transcript NM_016222.4 (MANE Select); coding-DNA position 476, G replaced by A.
Protein change: p.Arg159Gln; replaces arginine 159 with glutamine.
Molecular consequence: missense variant.
Genome position (GRCh38, 1-based): chr5:177,515,780, C>T on the plus strand (G>A on the coding strand, the complement: DDX41 is on the minus strand). VCF-style: chr5-177515780-C-T. GRCh37 (hg19) VCF-style: chr5-176942781-C-T.
Other names: c.98G>A, p.Arg33Gln (NM_001321732.2, NM_001321830.2); short protein forms R33Q, R159Q.
Identifiers: ClinVar variation 4010342 (VCV004010342.2).